The following is an entry in ClinVar:

NM_001164508.2(NEB):c.23013C>T (p.Ser7671=)

Genes: NEB (nebulin; minus strand), RIF1 (replication timing regulatory factor 1; plus strand). Cytogenetic location: 2q23.3.
Variant type: single nucleotide variant.
Coding change: c.23013C>T on transcript NM_001164508.2 (MANE Select); coding-DNA position 23013, C replaced by T.
Protein change: p.Ser7671=; no amino-acid change (serine 7671 retained).
Molecular consequence: synonymous variant.
Genome position (GRCh38, 1-based): chr2:151,514,821, G>A on the plus strand (C>T on the coding strand, the complement: NEB is on the minus strand). VCF-style: chr2-151514821-G-A. GRCh37 (hg19) VCF-style: chr2-152371335-G-A.
Other names: c.23013C>T, p.Ser7671= (NM_001164507.2); c.23118C>T, p.Ser7706= (NM_001271208.2); c.17910C>T, p.Ser5970= (NM_004543.5).
Identifiers: ClinVar variation 194295 (VCV000194295.64), dbSNP rs370873040, ClinGen allele CA240187.

ClinVar aggregate classification (germline): Conflicting classifications of pathogenicity. Review status: criteria provided, conflicting classifications (1 of 4 stars). 7 submissions from 7 submitters: Uncertain significance (4); Likely benign (2). 1 of the submissions does not count toward it. Last evaluated 2026-01-27.

Conditions:
Nemaline myopathy 2 (NEM2). Also called: Nemaline myopathy 2, autosomal recessive. Identifiers: MedGen C1850569, MONDO:0009725, OMIM 256030.

Allele frequency attached by ClinVar (database versions not stated): ESP Exome Variant Server 0.00008; gnomAD 0.00026 and 0.00029; TOPMed 0.00029; gnomAD exomes 0.00030 and 0.00049; ExAC 0.00043.
gnomAD v4.1: 721 of 1,563,474 alleles (0.046%); highest among the groups gnomAD compares: Non-Finnish European, 0.06%; 1 homozygote.

Submissions (7):

Women's Health and Genetics/Laboratory Corporation of America, LabCorp
Classification: Uncertain significance. Last evaluated: 2026-01-27. Review status: criteria provided, single submitter. Criteria: LabCorp Variant Classification Summary - May 2015. Collection method: clinical testing. Allele origin: germline.
Comment: Variant summary: NEB c.23118C>T alters a conserved nucleotide resulting in a synonymous change. Several computational tools predict a significant impact on normal splicing: Two predict the variant abolishes a canonical 5' splicing donor site. However, these predictions have yet to be confirmed by functional studies. The variant allele was found at a frequency of 0.0003 in 181890 control chromosomes. This frequency is not significantly higher than estimated for disease-causing variants in NEB, allowing no conclusion about variant significance. To our knowledge, no occurrence of c.23118C>T in individuals affected with NEB-related conditions and no experimental evidence demonstrating its impact on protein function have been reported. ClinVar contains an entry for this variant (Variation ID: 194295). Based on the evidence outlined above, the variant was classified as uncertain significance.

Labcorp Genetics (formerly Invitae), Labcorp
Classification: Likely benign for Nemaline myopathy 2. Last evaluated: 2026-01-17. Review status: criteria provided, single submitter. Criteria: Invitae Variant Classification Sherloc (09022015). Collection method: clinical testing. Allele origin: germline.

Illumina Laboratory Services, Illumina
Classification: Uncertain significance for Nemaline myopathy 2. Last evaluated: 2018-01-12. Review status: criteria provided, single submitter. Criteria: ICSL Variant Classification Criteria 13 December 2019. Collection method: clinical testing. Allele origin: germline.

GeneDx
Classification: Likely benign. Last evaluated: 2017-12-05. Review status: criteria provided, single submitter. Criteria: GeneDx Variant Classification (06012015). Collection method: clinical testing. Allele origin: germline. Affected: yes.
Comment: This variant is considered likely benign or benign based on one or more of the following criteria: it is a conservative change, it occurs at a poorly conserved position in the protein, it is predicted to be benign by multiple in silico algorithms, and/or has population frequency not consistent with disease.

CeGaT Center for Human Genetics Tuebingen
Classification: Uncertain significance. Last evaluated: 2016-06-01. Review status: criteria provided, single submitter. Criteria: CeGaT Center For Human Genetics Tuebingen Variant Classification Criteria Version 2. Collection method: clinical testing. Allele origin: germline. Affected: yes. Observed: 1 variant allele.

Eurofins Ntd Llc (ga)
Classification: Uncertain significance. Last evaluated: 2014-12-23. Review status: criteria provided, single submitter. Criteria: EGL Classification Definitions 2015. Collection method: clinical testing. Allele origin: germline. Observed: 1 variant allele, 1 heterozygote.

Natera, Inc.
Classification: Likely benign for Nemaline myopathy type 2. Last evaluated: 2020-04-30. Review status: no assertion criteria provided. Collection method: clinical testing. Allele origin: germline. Not counted in ClinVar's aggregate classification.